The following is an entry in ClinVar:

NM_014975.3(MAST1):c.2319-7C>T

Genes: MAST1 (microtubule associated serine/threonine kinase 1; plus strand), LOC112543452 (Sharpr-MPRA regulatory region 6054; plus strand). Cytogenetic location: 19p13.13.
Variant type: single nucleotide variant.
Coding change: c.2319-7C>T on transcript NM_014975.3 (MANE Select); 7 bases into the intron before coding-DNA position 2319, C replaced by T.
Molecular consequence: intron variant.
Genome position (GRCh38, 1-based): chr19:12,867,723, C>T. VCF-style: chr19-12867723-C-T. GRCh37 (hg19) VCF-style: chr19-12978537-C-T.
Identifiers: ClinVar variation 2711662 (VCV002711662.5), dbSNP rs200178842, ClinGen allele CA305494904.

ClinVar aggregate classification (germline): Likely benign. Review status: criteria provided, multiple submitters, no conflicts (2 of 4 stars). 3 submissions from 3 submitters: Likely benign (3). Last evaluated 2026-09-01.

Allele frequency attached by ClinVar (database versions not stated): gnomAD 0.00004; 1000 Genomes Project 0.00020; 1000 Genomes Project 30x 0.00031.
gnomAD v4.1: 16 of 1,531,848 alleles (0.001%); highest among the groups gnomAD compares: Admixed American, 0.013%; no homozygotes.

Submissions (3):

CeGaT Center for Human Genetics Tuebingen
Classification: Likely benign. Last evaluated: 2026-09-01. Review status: criteria provided, single submitter. Criteria: CeGaT Center For Human Genetics Tuebingen Variant Classification Criteria Version 2. Collection method: clinical testing. Allele origin: germline. Affected: yes. Observed: 1 variant allele.
Comment: MAST1: BP4

Labcorp Genetics (formerly Invitae), Labcorp
Classification: Likely benign. Last evaluated: 2024-02-05. Review status: criteria provided, single submitter. Criteria: Invitae Variant Classification Sherloc (09022015). Collection method: clinical testing. Allele origin: germline.

Blueprint Genetics
Classification: Likely benign. Last evaluated: 2020-08-07. Review status: criteria provided, single submitter. Criteria: ACMG Guidelines, 2015. Collection method: clinical testing. Allele origin: germline.